The following is an entry in ClinVar:

ClinVar aggregate classification (germline): Uncertain significance (1 of 4 stars; one submission).

Conditions:
Hypercoagulability syndrome due to glycosylphosphatidylinositol deficiency (GPIBD1). Also called: GLYCOSYLPHOSPHATIDYLINOSITOL BIOSYNTHESIS DEFECT 1. Identifiers: Orphanet 83639, MedGen C5201145, MONDO:0012465, OMIM 610293.

Submission:

Labcorp Genetics (formerly Invitae), Labcorp
Classification: Uncertain significance for Hypercoagulability syndrome due to glycosylphosphatidylinositol deficiency. Last evaluated: 2025-12-27. Review status: criteria provided, single submitter. Criteria: Invitae Variant Classification Sherloc (09022015). Collection method: clinical testing. Allele origin: germline.
Comment: This sequence change replaces arginine, which is basic and polar, with glycine, which is neutral and non-polar, at codon 75 of the PIGM protein (p.Arg75Gly). This variant is not present in population databases (gnomAD no frequency). This variant has not been reported in the literature in individuals affected with PIGM-related conditions. Invitae Evidence Modeling of protein sequence and biophysical properties (such as structural, functional, and spatial information, amino acid conservation, physicochemical variation, residue mobility, and thermodynamic stability) indicates that this missense variant is expected to disrupt PIGM protein function with a positive predictive value of 80%. In summary, the available evidence is currently insufficient to determine the role of this variant in disease. Therefore, it has been classified as a Variant of Uncertain Significance.

NM_145167.3(PIGM):c.223C>G (p.Arg75Gly)

Gene: PIGM (phosphatidylinositol glycan anchor biosynthesis class M; minus strand). Cytogenetic location: 1q23.2.
Variant type: single nucleotide variant.
Coding change: c.223C>G on transcript NM_145167.3 (MANE Select); coding-DNA position 223, C replaced by G.
Protein change: p.Arg75Gly; replaces arginine 75 with glycine.
Molecular consequence: missense variant.
Genome position (GRCh38, 1-based): chr1:160,031,517, G>C on the plus strand (C>G on the coding strand, the complement: PIGM is on the minus strand). VCF-style: chr1-160031517-G-C. GRCh37 (hg19) VCF-style: chr1-160001307-G-C.
Other names: short protein forms R75G.
Identifiers: ClinVar variation 4746178 (VCV004746178.1).